The following is an entry in ClinVar:

NM_005198.5(CHKB):c.493G>C (p.Ala165Pro)

Genes: CHKB (choline kinase beta; minus strand), CHKB-CPT1B (CHKB-CPT1B readthrough (NMD candidate); minus strand). Cytogenetic location: 22q13.33.
Variant type: single nucleotide variant.
Coding change: c.493G>C on transcript NM_005198.5 (MANE Select); coding-DNA position 493, G replaced by C.
Protein change: p.Ala165Pro; replaces alanine 165 with proline.
Molecular consequence: missense variant. On other transcripts: non-coding transcript variant (1).
Genome position (GRCh38, 1-based): chr22:50,581,508, C>G on the plus strand (G>C on the coding strand, the complement: CHKB is on the minus strand). VCF-style: chr22-50581508-C-G. GRCh37 (hg19) VCF-style: chr22-51019937-C-G.
Other names: short protein forms A165P.
Identifiers: ClinVar variation 1720227 (VCV001720227.5), dbSNP rs2522784327, ClinGen allele CA412200769.

ClinVar aggregate classification (germline): Uncertain significance (1 of 4 stars; one submission).

Conditions:
Megaconial type congenital muscular dystrophy (MDCMC). Also called: CHKB-Related Muscle Diseases; CHKB-Related Muscular Dystrophy; MUSCULAR DYSTROPHY, CONGENITAL, WITH MITOCHONDRIAL STRUCTURAL ABNORMALITIES. Identifiers: Orphanet 280671, MedGen C1865233, MONDO:0011246, OMIM 602541.

Submission:

Labcorp Genetics (formerly Invitae), Labcorp
Classification: Uncertain significance for Megaconial type congenital muscular dystrophy. Last evaluated: 2022-07-20. Review status: criteria provided, single submitter. Criteria: Invitae Variant Classification Sherloc (09022015). Collection method: clinical testing. Allele origin: germline.
Comment: In summary, the available evidence is currently insufficient to determine the role of this variant in disease. Therefore, it has been classified as a Variant of Uncertain Significance. Algorithms developed to predict the effect of missense changes on protein structure and function are either unavailable or do not agree on the potential impact of this missense change (SIFT: "Tolerated"; PolyPhen-2: "Probably Damaging"; Align-GVGD: "Class C0"). This variant has not been reported in the literature in individuals affected with CHKB-related conditions. This variant is not present in population databases (gnomAD no frequency). This sequence change replaces alanine, which is neutral and non-polar, with proline, which is neutral and non-polar, at codon 165 of the CHKB protein (p.Ala165Pro).